The following is an entry in ClinVar:

ClinVar aggregate classification (germline): Uncertain significance. Review status: criteria provided, multiple submitters, no conflicts (2 of 4 stars). 2 submissions from 2 submitters: Uncertain significance (2). Last evaluated 2024-10-29.

Conditions:
Early-infantile DEE. Also called: Ohtahara syndrome; Early infantile epileptic encephalopathy; Early infantile epileptic encephalopathy with suppression bursts. Identifiers: Orphanet 1934, MedGen C0393706, MONDO:0800491.
Inborn genetic diseases. Identifiers: MedGen C0950123, MeSH D030342.

Allele frequency attached by ClinVar (database versions not stated): gnomAD exomes below 0.00001.
gnomAD v4.1: 2 of 1,613,820 alleles (0.00012%); highest among the groups gnomAD compares: South Asian, 0.0022%; no homozygotes.

Submissions (2):

Ambry Genetics
Classification: Uncertain significance for Inborn genetic diseases. Last evaluated: 2024-10-29. Review status: criteria provided, single submitter. Criteria: Ambry Variant Classification Scheme 2023. Collection method: clinical testing. Allele origin: germline.
Comment: The c.2413A>G (p.I805V) alteration is located in exon 15 (coding exon 14) of the SCN8A gene. This alteration results from a A to G substitution at nucleotide position 2413, causing the isoleucine (I) at amino acid position 805 to be replaced by a valine (V). This variant was not reported in population-based cohorts in the Genome Aggregation Database (gnomAD). Another alteration at the same codon, c.2415A>G (p.I805M), has been detected by an autism panel in one individual (Butler, 2017). This amino acid position is well conserved in available vertebrate species. This missense alteration is located in a region that has a low rate of benign missense variation (Lek, 2016; Firth, 2009). The in silico prediction for this alteration is inconclusive. Based on insufficient or conflicting evidence, the clinical significance of this alteration remains unclear.

Labcorp Genetics (formerly Invitae), Labcorp
Classification: Uncertain significance for Early-infantile DEE. Last evaluated: 2020-10-14. Review status: criteria provided, single submitter. Criteria: Invitae Variant Classification Sherloc (09022015). Collection method: clinical testing. Allele origin: germline.
Comment: This sequence change replaces isoleucine with valine at codon 805 of the SCN8A protein (p.Ile805Val). The isoleucine residue is highly conserved and there is a small physicochemical difference between isoleucine and valine. This variant is not present in population databases (ExAC no frequency). This variant has not been reported in the literature in individuals with SCN8A-related conditions. Algorithms developed to predict the effect of missense changes on protein structure and function are either unavailable or do not agree on the potential impact of this missense change (SIFT: "Deleterious"; PolyPhen-2: "Benign"; Align-GVGD: "Class C0"). In summary, the available evidence is currently insufficient to determine the role of this variant in disease. Therefore, it has been classified as a Variant of Uncertain Significance.

Literature cited by the submitters: PubMed 27875746 (cited by Ambry Genetics).

NM_001330260.2(SCN8A):c.2413A>G (p.Ile805Val)

Gene: SCN8A (sodium voltage-gated channel alpha subunit 8; plus strand). Cytogenetic location: 12q13.13.
Variant type: single nucleotide variant.
Coding change: c.2413A>G on transcript NM_001330260.2 (MANE Select); coding-DNA position 2413, A replaced by G.
Protein change: p.Ile805Val; replaces isoleucine 805 with valine.
Molecular consequence: missense variant.
Genome position (GRCh38, 1-based): chr12:51,762,545, A>G. VCF-style: chr12-51762545-A-G. GRCh37 (hg19) VCF-style: chr12-52156329-A-G.
Other names: c.2413A>G, p.Ile805Val (NM_001177984.3, NM_001369788.1, NM_014191.4); c.2413A>G (NM_014191.2); short protein forms I805V.
Identifiers: ClinVar variation 1036706 (VCV001036706.10), dbSNP rs1942777853, ClinGen allele CA384883362.